The following is an entry in ClinVar:

ClinVar aggregate classification (germline): Benign/Likely benign. Review status: criteria provided, multiple submitters, no conflicts (2 of 4 stars). 6 submissions from 6 submitters: Benign (2); Likely benign (4). Last evaluated 2026-02-03.

Conditions:
Fanconi anemia complementation group O. Also called: RAD51C-Related Fanconi Anemia. Identifiers: Orphanet 84, MedGen C3150653, MONDO:0013248, OMIM 613390.
Breast-ovarian cancer, familial, susceptibility to, 3. Also called: RAD51C-Related Breast/Ovarian Cancer. Identifiers: Orphanet 145, MedGen C3150659, MONDO:0013253, OMIM 613399.
Hereditary cancer-predisposing syndrome. Also called: Tumor predisposition; Neoplastic Syndromes, Hereditary; Hereditary Cancer Syndrome; Hereditary neoplastic syndrome. Identifiers: Orphanet 140162, MedGen C0027672, MeSH D009386, MONDO:0015356.

Allele frequency attached by ClinVar (database versions not stated): gnomAD 0.00003; TOPMed 0.00004; gnomAD exomes 0.00006 and 0.00007; ESP Exome Variant Server 0.00008; ExAC 0.00012.
gnomAD v4.1: 90 of 1,598,884 alleles (0.0056%); highest among the groups gnomAD compares: Non-Finnish European, 0.0069%; no homozygotes.

Submissions (6):

Labcorp Genetics (formerly Invitae), Labcorp
Classification: Likely benign for Fanconi anemia complementation group O. Last evaluated: 2026-02-03. Review status: criteria provided, single submitter. Criteria: Invitae Variant Classification Sherloc (09022015). Collection method: clinical testing. Allele origin: germline.

Center for Genomic Medicine, Rigshospitalet, Copenhagen University Hospital
Classification: Likely benign. Last evaluated: 2025-03-04. Review status: criteria provided, single submitter. Criteria: ACMG Guidelines, 2015. Collection method: clinical testing. Allele origin: germline.

Myriad Genetics, Inc.
Classification: Benign for Breast-ovarian cancer, familial, susceptibility to, 3. Last evaluated: 2025-02-19. Review status: criteria provided, single submitter. Criteria: Myriad Autosomal Dominant, Autosomal Recessive and X-Linked Classification Criteria (2023). Collection method: clinical testing. Allele origin: unknown.
Comment: This variant is considered benign. This variant is intronic and is not expected to impact mRNA splicing. This variant is strongly associated with less severe personal and family histories of cancer, typical for individuals without pathogenic variants in this gene [PMID: 25085752].

Fulgent Genetics
Classification: Likely benign for Fanconi anemia complementation group O; Breast-ovarian cancer, familial, susceptibility to, 3. Last evaluated: 2022-05-03. Review status: criteria provided, single submitter. Criteria: ACMG Guidelines, 2015. Collection method: clinical testing. Allele origin: unknown.

Color Diagnostics, LLC DBA Color Health
Classification: Likely benign for Hereditary cancer-predisposing syndrome. Last evaluated: 2017-02-13. Review status: criteria provided, single submitter. Criteria: ACMG Guidelines, 2015. Collection method: clinical testing. Allele origin: germline.

GeneDx
Classification: Benign. Last evaluated: 2015-03-03. Review status: criteria provided, single submitter. Criteria: GeneDx Variant Classification Process June 2021. Collection method: clinical testing. Allele origin: germline. Affected: yes.

Literature cited by the submitters: PubMed 25085752 (cited by Myriad Genetics, Inc.).

NM_058216.3(RAD51C):c.905-19T>C

Gene: RAD51C (RAD51 paralog C; plus strand). Cytogenetic location: 17q22.
Variant type: single nucleotide variant.
Coding change: c.905-19T>C on transcript NM_058216.3 (MANE Select); 19 bases into the intron before coding-DNA position 905, T replaced by C.
Molecular consequence: intron variant.
Genome position (GRCh38, 1-based): chr17:58,724,021, T>C. VCF-style: chr17-58724021-T-C. GRCh37 (hg19) VCF-style: chr17-56801382-T-C.
Identifiers: ClinVar variation 492395 (VCV000492395.21), dbSNP rs368114768, ClinGen allele CA8677360.